The following is an entry in ClinVar:

NM_001371596.2(MFSD8):c.*492A>T

Gene: MFSD8 (major facilitator superfamily domain containing 8; minus strand). Cytogenetic location: 4q28.2.
Variant type: single nucleotide variant.
Coding change: c.*492A>T on transcript NM_001371596.2 (MANE Select); 492 bases downstream of the stop codon, A replaced by T.
Molecular consequence: 3 prime UTR variant.
Genome position (GRCh38, 1-based): chr4:127,920,138, T>A on the plus strand (A>T on the coding strand, the complement: MFSD8 is on the minus strand). VCF-style: chr4-127920138-T-A. GRCh37 (hg19) VCF-style: chr4-128841293-T-A.
Other names: c.*492A>T (NM_001363520.3, NM_001363521.3, NM_001371590.2 and 7 more transcripts); c.*1621A>T (NM_001410766.1).
Identifiers: ClinVar variation 347534 (VCV000347534.7), dbSNP rs534206104, ClinGen allele CA10620079.

ClinVar aggregate classification (germline): Likely benign (1 of 4 stars; one submission).

Conditions:
Neuronal ceroid lipofuscinosis 7 (CLN7). Also called: MFSD8-Related Neuronal Ceroid-Lipofuscinosis. Identifiers: Orphanet 168491, Orphanet 228366, MedGen C1838571, MONDO:0012588, OMIM 610951.

Allele frequency attached by ClinVar (database versions not stated): gnomAD below 0.00001 and 0.00037; TOPMed 0.00008; gnomAD exomes 0.00139; 1000 Genomes Project 0.00240; 1000 Genomes Project 30x 0.00297.
gnomAD v4.1: 65 of 159,782 alleles (0.041%); highest among the groups gnomAD compares: South Asian, 1.1%; no homozygotes.

Submission:

Illumina Laboratory Services, Illumina
Classification: Likely benign for Neuronal ceroid lipofuscinosis 7. Last evaluated: 2018-01-12. Review status: criteria provided, single submitter. Criteria: ICSL Variant Classification Criteria 13 December 2019. Collection method: clinical testing. Allele origin: germline.
Comment: This variant was observed in the ICSL laboratory as part of a predisposition screen in an ostensibly healthy population. It had not been previously curated by ICSL or reported in the Human Gene Mutation Database (HGMD: prior to June 1st, 2018), and was therefore a candidate for classification through an automated scoring system. Utilizing variant allele frequency, disease prevalence and penetrance estimates, and inheritance mode, an automated score was calculated to assess if this variant is too frequent to cause the disease. Based on the score and internal cut-off values, a variant classified as likely benign is not then subjected to further curation. The score for this variant resulted in a classification of likely benign for this disease.